The following is an entry in ClinVar:

NM_005591.4(MRE11):c.1883G>C (p.Arg628Thr)

Gene: MRE11 (MRE11 double strand break repair nuclease; minus strand). Cytogenetic location: 11q21.
Variant type: single nucleotide variant.
Coding change: c.1883G>C on transcript NM_005591.4 (MANE Select); coding-DNA position 1883, G replaced by C.
Protein change: p.Arg628Thr; replaces arginine 628 with threonine.
Molecular consequence: missense variant.
Genome position (GRCh38, 1-based): chr11:94,437,220, C>G on the plus strand (G>C on the coding strand, the complement: MRE11 is on the minus strand). VCF-style: chr11-94437220-C-G. GRCh37 (hg19) VCF-style: chr11-94170386-C-G.
Other names: c.1880G>C, p.Arg627Thr (NM_001330347.2); c.1799G>C, p.Arg600Thr (NM_005590.4); short protein forms R600T, R627T, R628T.
Identifiers: ClinVar variation 1799782 (VCV001799782.2), dbSNP rs587781835, ClinGen allele CA382374851.
Genomic context (GRCh38, chr11:94,437,220, plus strand): 5'-AAAACTTTTTTTCTTACCTCTGAATAATTCTTAGTAGTGACATTTCGGGAAGGCTGCTGT[C>G]TTGTAGATTTAAAGGCTAGAATGAAAAAGATGAAATGTGCATTATGTTATTCTTAAAATA-3'
Protein context (NP_005582.1, residues 618-638): MSIIDAFKST[Arg628Thr]QQPSRNVTTK

ClinVar aggregate classification (germline): Uncertain significance (1 of 4 stars; one submission).

Conditions:
Hereditary cancer-predisposing syndrome. Also called: Neoplastic Syndromes, Hereditary; Tumor predisposition; Hereditary Cancer Syndrome; Hereditary neoplastic syndrome. Identifiers: Orphanet 140162, MedGen C0027672, MeSH D009386, MONDO:0015356.

Submission:

Ambry Genetics
Classification: Uncertain significance for Hereditary cancer-predisposing syndrome. Last evaluated: 2021-12-30. Review status: criteria provided, single submitter. Criteria: Ambry Variant Classification Scheme 2023. Collection method: clinical testing. Allele origin: germline.
Comment: The p.R628T variant (also known as c.1883G>C), located in coding exon 16 of the MRE11A gene, results from a G to C substitution at nucleotide position 1883. The arginine at codon 628 is replaced by threonine, an amino acid with similar properties. This amino acid position is conserved. In addition, the in silico prediction for this alteration is inconclusive. Since supporting evidence is limited at this time, the clinical significance of this alteration remains unclear.